The following is an entry in ClinVar:

NM_000503.6(EYA1):c.26C>T (p.Pro9Leu)

Gene: EYA1 (EYA transcriptional coactivator and phosphatase 1; minus strand). Cytogenetic location: 8q13.3.
Variant type: single nucleotide variant.
Coding change: c.26C>T on transcript NM_000503.6 (MANE Select); coding-DNA position 26, C replaced by T.
Protein change: p.Pro9Leu; replaces proline 9 with leucine.
Molecular consequence: missense variant. On other transcripts: 5 prime UTR variant (1).
Genome position (GRCh38, 1-based): chr8:71,354,880, G>A on the plus strand (C>T on the coding strand, the complement: EYA1 is on the minus strand). VCF-style: chr8-71354880-G-A. GRCh37 (hg19) VCF-style: chr8-72267115-G-A.
Other names: c.26C>T (NM_000503.4); c.26C>T, p.Pro9Leu (NM_001288574.2, NM_001370334.1, NM_001370335.1 and 1 more transcripts); c.-259C>T (NM_001288575.2); c.113C>T, p.Pro38Leu (NM_001370333.1, NM_001370336.1, NM_172059.5); short protein forms P9L, P38L.
Identifiers: ClinVar variation 624333 (VCV000624333.48), dbSNP rs766713665, ClinGen allele CA4779942.

ClinVar aggregate classification (germline): Conflicting classifications of pathogenicity. Review status: criteria provided, conflicting classifications (1 of 4 stars). 4 submissions from 4 submitters: Uncertain significance (3); Likely benign (1). Last evaluated 2026-01-12.

Conditions:
Branchiootic syndrome 1 (BOS1). Also called: BO SYNDROME 1; BRANCHIOOTIC DYSPLASIA. Identifiers: MedGen C1865143, MONDO:0011258, OMIM 602588.
Branchiootorenal syndrome 1. Also called: Branchio-Oto-Renal Syndrome 1. Identifiers: Orphanet 107, MedGen C4551702, MONDO:0007236, OMIM 113650.
Otofaciocervical syndrome 1 (OTFCS). Identifiers: MedGen C3714941, MONDO:0024532, OMIM 166780.
Melnick-Fraser syndrome (BOR). Also called: Branchio-oto-renal syndrome; Branchiootorenal Syndrome (BORS); Branchiootorenal syndrome. Identifiers: Orphanet 107, MedGen C0265234, MONDO:0007029.

Allele frequency attached by ClinVar (database versions not stated): gnomAD 0.00002; gnomAD exomes 0.00002 and 0.00005; TOPMed 0.00002.
gnomAD v4.1: 72 of 1,613,242 alleles (0.0045%); highest among the groups gnomAD compares: Non-Finnish European, 0.0058%; no homozygotes.

Submissions (4):

Labcorp Genetics (formerly Invitae), Labcorp
Classification: Likely benign for Melnick-Fraser syndrome. Last evaluated: 2026-01-12. Review status: criteria provided, single submitter. Criteria: Invitae Variant Classification Sherloc (09022015). Collection method: clinical testing. Allele origin: germline.

GeneDx
Classification: Uncertain significance. Last evaluated: 2024-02-15. Review status: criteria provided, single submitter. Criteria: GeneDx Variant Classification Process June 2021. Collection method: clinical testing. Allele origin: germline. Affected: yes.
Comment: In silico analysis supports that this missense variant has a deleterious effect on protein structure/function; Has not been previously published as pathogenic or benign to our knowledge

Fulgent Genetics
Classification: Uncertain significance for Branchiootorenal syndrome 1; Otofaciocervical syndrome 1; Branchiootic syndrome 1. Last evaluated: 2022-02-02. Review status: criteria provided, single submitter. Criteria: ACMG Guidelines, 2015. Collection method: clinical testing. Allele origin: unknown.

CeGaT Center for Human Genetics Tuebingen
Classification: Uncertain significance. Last evaluated: 2018-08-01. Review status: criteria provided, single submitter. Criteria: CeGaT Center For Human Genetics Tuebingen Variant Classification Criteria Version 2. Collection method: clinical testing. Allele origin: germline. Affected: yes. Observed: 1 variant allele.